The following is an entry in ClinVar:

NM_001365999.1(SZT2):c.8626C>T (p.Arg2876Trp)

Gene: SZT2 (SZT2 subunit of KICSTOR complex; plus strand). Cytogenetic location: 1p34.2.
Variant type: single nucleotide variant.
Coding change: c.8626C>T on transcript NM_001365999.1 (MANE Select); coding-DNA position 8626, C replaced by T.
Protein change: p.Arg2876Trp; replaces arginine 2876 with tryptophan.
Molecular consequence: missense variant.
Genome position (GRCh38, 1-based): chr1:43,443,597, C>T. VCF-style: chr1-43443597-C-T. GRCh37 (hg19) VCF-style: chr1-43909268-C-T.
Other names: c.8455C>T, p.Arg2819Trp (NM_015284.4); short protein forms R2819W, R2876W.
Identifiers: ClinVar variation 648811 (VCV000648811.5), dbSNP rs747143141, ClinGen allele CA810637.
Genomic context (GRCh38, chr1:43,443,597, plus strand): 5'-TCCATCCCCAGCAGGATGGTTGACAGTGGGGAGAGTCTTCCTTGATCTTTACTCTCATAG[C>T]GGCGCCATCGCCCTGAGTCAGGGTCTGGGAGCCGAGAGGCCCCCACAAGCTGTGAATCCT-3'
Protein context (NP_001352928.1, residues 2866-2886): PETSGPPDGQ[Arg2876Trp]RHRPESGSGS

ClinVar aggregate classification (germline): Uncertain significance. Review status: criteria provided, multiple submitters, no conflicts (2 of 4 stars). 3 submissions from 3 submitters: Uncertain significance (3). Last evaluated 2025-10-24.

Conditions:
Inborn genetic diseases. Identifiers: MedGen C0950123, MeSH D030342.

Allele frequency attached by ClinVar (database versions not stated): gnomAD exomes 0.00002 and 0.00005; gnomAD 0.00006 and 0.00007; TOPMed 0.00006; ExAC 0.00002.
gnomAD v4.1: 41 of 1,613,926 alleles (0.0025%); highest among the groups gnomAD compares: Admixed American, 0.018%; no homozygotes.

Submissions (3):

Ambry Genetics
Classification: Uncertain significance for Inborn genetic diseases. Last evaluated: 2025-10-24. Review status: criteria provided, single submitter. Criteria: Ambry Variant Classification Scheme 2023. Collection method: clinical testing. Allele origin: germline.
Comment: The c.8455C>T (p.R2819W) alteration is located in exon 61 (coding exon 61) of the SZT2 gene. This alteration results from a C to T substitution at nucleotide position 8455, causing the arginine (R) at amino acid position 2819 to be replaced by a tryptophan (W). Based on data from gnomAD, the T allele has an overall frequency of 0.005% (14/282460) total alleles studied. The highest observed frequency was 0.014% (1/7216) of Other alleles. Based on insufficient or conflicting evidence, the clinical significance of this alteration remains unclear.

Athena Diagnostics
Classification: Uncertain significance. Last evaluated: 2024-12-16. Review status: criteria provided, single submitter. Criteria: Athena Diagnostics Criteria. Collection method: clinical testing. Allele origin: unknown.
Comment: Available data are insufficient to determine the clinical significance of the variant at this time. The frequency of this variant in the general population is uninformative in assessment of its pathogenicity. Polyphen and MutationTaster yielded discordant predictions regarding whether this amino acid change is damaging to the protein.

Labcorp Genetics (formerly Invitae), Labcorp
Classification: Uncertain significance. Last evaluated: 2021-11-05. Review status: criteria provided, single submitter. Criteria: Invitae Variant Classification Sherloc (09022015). Collection method: clinical testing. Allele origin: germline.
Comment: ClinVar contains an entry for this variant (Variation ID: 648811). This variant has not been reported in the literature in individuals affected with SZT2-related conditions. This variant is present in population databases (rs747143141, gnomAD 0.01%). This sequence change replaces arginine, which is basic and polar, with tryptophan, which is neutral and slightly polar, at codon 2819 of the SZT2 protein (p.Arg2819Trp). Algorithms developed to predict the effect of missense changes on protein structure and function are either unavailable or do not agree on the potential impact of this missense change (SIFT: "Deleterious"; PolyPhen-2: "Probably Damaging"; Align-GVGD: "Class C0"). In summary, the available evidence is currently insufficient to determine the role of this variant in disease. Therefore, it has been classified as a Variant of Uncertain Significance. Algorithms developed to predict the effect of sequence changes on RNA splicing suggest that this variant may disrupt the consensus splice site.